The following is an entry in ClinVar:

NM_201384.3(PLEC):c.8710G>A (p.Val2904Ile)

Gene: PLEC (plectin; minus strand). Cytogenetic location: 8q24.3.
Variant type: single nucleotide variant.
Coding change: c.8710G>A on transcript NM_201384.3 (MANE Select); coding-DNA position 8710, G replaced by A.
Protein change: p.Val2904Ile; replaces valine 2904 with isoleucine.
Molecular consequence: missense variant.
Genome position (GRCh38, 1-based): chr8:143,921,111, C>T on the plus strand (G>A on the coding strand, the complement: PLEC is on the minus strand). VCF-style: chr8-143921111-C-T. GRCh37 (hg19) VCF-style: chr8-144995279-C-T.
Other names: c.8791G>A, p.Val2931Ile (NM_000445.5); c.8668G>A, p.Val2890Ile (NM_201378.4); c.8644G>A, p.Val2882Ile (NM_201379.3); c.9121G>A, p.Val3041Ile (NM_201380.4); c.8614G>A, p.Val2872Ile (NM_201381.3); c.8710G>A, p.Val2904Ile (NM_201382.4); c.8722G>A, p.Val2908Ile (NM_201383.3); short protein forms V2908I, V2890I, V3041I, V2872I, V2931I, V2882I, V2904I.
Identifiers: ClinVar variation 958728 (VCV000958728.7), dbSNP rs781878564, ClinGen allele CA4925208.
Genomic context (GRCh38, chr8:143,921,111, plus strand): 5'-TGGTCACCGTCTTGCCCTGGAACTTGCCGAACGGCGCAGACACGGTGGCCTTCTCAAAGA[C>T]GTCCCGGGCCTCGGAGTCAGTGTAGACCAGCTCCCCGCCCTTGGCAGCCTTATCCGTGAG-3'
Protein context (NP_958786.1, residues 2894-2914): LVYTDSEARD[Val2904Ile]FEKATVSAPF

ClinVar aggregate classification (germline): Uncertain significance (1 of 4 stars; one submission).

Conditions:
Epidermolysis bullosa simplex 5B, with muscular dystrophy (EBS5B). Also called: Epidermolysis bullosa simplex with muscular dystrophy; EPIDERMOLYSIS BULLOSA SIMPLEX AND LIMB-GIRDLE MUSCULAR DYSTROPHY. Identifiers: Orphanet 257, MedGen C2931072, MONDO:0009181, OMIM 226670.
Epidermolysis bullosa simplex, Ogna type (EBS5A). Also called: Pidermolysis bullosa simplex 5A, Ogna type; EPIDERMOLYSIS BULLOSA SIMPLEX 5A, OGNA TYPE. Identifiers: Orphanet 79401, MedGen C0432317, MONDO:0007555, OMIM 131950.
Autosomal recessive limb-girdle muscular dystrophy type 2Q (LGMDR17). Also called: MUSCULAR DYSTROPHY, LIMB-GIRDLE, AUTOSOMAL RECESSIVE 17. Identifiers: Orphanet 254361, MedGen C3150989, MONDO:0013390, OMIM 613723.
Epidermolysis bullosa simplex with nail dystrophy (EBS5D). Identifiers: MedGen C4225309, MONDO:0014661, OMIM 616487.
Epidermolysis bullosa simplex 5C, with pyloric atresia (EBS5C). Also called: Epidermolysis bullosa simplex with pyloric atresia; PLEC-Related Epidermolysis Bullosa with Pyloric Atresia; PLEC1-Related Epidermolysis Bullosa with Pyloric Atresia. Identifiers: Orphanet 158684, MedGen C2677349, MONDO:0012807, OMIM 612138.

Allele frequency attached by ClinVar (database versions not stated): gnomAD 0.00001; gnomAD exomes 0.00001; TOPMed 0.00001; ExAC 0.00002.
gnomAD v4.1: 9 of 1,612,300 alleles (0.00056%); highest among the groups gnomAD compares: Admixed American, 0.0017%; no homozygotes.

Submission:

Labcorp Genetics (formerly Invitae), Labcorp
Classification: Uncertain significance for Autosomal recessive limb-girdle muscular dystrophy type 2Q; Epidermolysis bullosa simplex, Ogna type; Epidermolysis bullosa simplex with nail dystrophy; Epidermolysis bullosa simplex 5C, with pyloric atresia; Epidermolysis bullosa simplex 5B, with muscular dystrophy. Last evaluated: 2025-12-05. Review status: criteria provided, single submitter. Criteria: Invitae Variant Classification Sherloc (09022015). Collection method: clinical testing. Allele origin: germline.
Comment: This sequence change replaces valine, which is neutral and non-polar, with isoleucine, which is neutral and non-polar, at codon 2931 of the PLEC protein (p.Val2931Ile). This variant is present in population databases (rs781878564, gnomAD 0.007%). This variant has not been reported in the literature in individuals affected with PLEC-related conditions. ClinVar contains an entry for this variant (Variation ID: 958728). An algorithm developed to predict the effect of missense changes on protein structure and function (PolyPhen-2) suggests that this variant is likely to be disruptive. In summary, the available evidence is currently insufficient to determine the role of this variant in disease. Therefore, it has been classified as a Variant of Uncertain Significance.